The following is an entry in ClinVar:

ClinVar aggregate classification (germline): Uncertain significance (1 of 4 stars; one submission).

Conditions:
Primary ciliary dyskinesia. Also called: Ciliary dyskinesia. Identifiers: Orphanet 244, MedGen C0008780, MONDO:0016575, HP:0012265.

Allele frequency attached by ClinVar (database versions not stated): gnomAD below 0.00001 and 0.00001.
gnomAD v4.1: 1 of 1,613,912 alleles (0.000062%); highest among the groups gnomAD compares: South Asian, 0.0011%; no homozygotes.

Submission:

Labcorp Genetics (formerly Invitae), Labcorp
Classification: Uncertain significance for Primary ciliary dyskinesia. Last evaluated: 2018-01-28. Review status: criteria provided, single submitter. Criteria: Invitae Variant Classification Sherloc (09022015). Collection method: clinical testing. Allele origin: germline.
Comment: This variant is not present in population databases (ExAC no frequency). In summary, the available evidence is currently insufficient to determine the role of this variant in disease. Therefore, it has been classified as a Variant of Uncertain Significance. Algorithms developed to predict the effect of missense changes on protein structure and function (SIFT, PolyPhen-2, Align-GVGD) all suggest that this variant is likely to be tolerated, but these predictions have not been confirmed by published functional studies and their clinical significance is uncertain. This variant has not been reported in the literature in individuals with CCDC40-related disease. This sequence change replaces glutamine with arginine at codon 591 of the CCDC40 protein (p.Gln591Arg). The glutamine residue is moderately conserved and there is a small physicochemical difference between glutamine and arginine.

NM_017950.4(CCDC40):c.1772A>G (p.Gln591Arg)

Gene: CCDC40 (coiled-coil domain 40 molecular ruler complex subunit; plus strand). Cytogenetic location: 17q25.3.
Variant type: single nucleotide variant.
Coding change: c.1772A>G on transcript NM_017950.4 (MANE Select); coding-DNA position 1772, A replaced by G.
Protein change: p.Gln591Arg; replaces glutamine 591 with arginine.
Molecular consequence: missense variant.
Genome position (GRCh38, 1-based): chr17:80,081,755, A>G. VCF-style: chr17-80081755-A-G. GRCh37 (hg19) VCF-style: chr17-78055554-A-G.
Other names: c.1772A>G, p.Gln591Arg (NM_001243342.2); short protein forms Q591R.
Identifiers: ClinVar variation 573497 (VCV000573497.9), dbSNP rs1568706447, ClinGen allele CA401337967.